The following is an entry in ClinVar:

ClinVar aggregate classification (germline): Benign/Likely benign. Review status: criteria provided, multiple submitters, no conflicts (2 of 4 stars). 3 submissions from 3 submitters: Benign (1); Likely benign (2). Last evaluated 2026-05-02.

Conditions:
Hereditary cancer-predisposing syndrome. Also called: Tumor predisposition; Hereditary neoplastic syndrome; Neoplastic Syndromes, Hereditary; Hereditary Cancer Syndrome. Identifiers: Orphanet 140162, MedGen C0027672, MeSH D009386, MONDO:0015356.
Familial adenomatous polyposis 1 (FAP1). Also called: POLYPOSIS, ADENOMATOUS INTESTINAL; FAMILIAL ADENOMATOUS POLYPOSIS 1, ATTENUATED. Identifiers: MedGen C2713442, MONDO:0021056, OMIM 175100. Disease mechanism: loss of function.

Submissions (3):

Ambry Genetics
Classification: Likely benign for Hereditary cancer-predisposing syndrome. Last evaluated: 2026-05-02. Review status: criteria provided, single submitter. Criteria: Ambry Variant Classification Scheme 2023. Collection method: clinical testing. Allele origin: germline.

Myriad Genetics, Inc.
Classification: Benign for Familial adenomatous polyposis 1. Last evaluated: 2024-04-09. Review status: criteria provided, single submitter. Criteria: Myriad Autosomal Dominant, Autosomal Recessive and X-Linked Classification Criteria (2023). Collection method: clinical testing. Allele origin: unknown.
Comment: This variant is considered benign. This variant is a silent/synonymous amino acid change and it is not expected to impact splicing.

Labcorp Genetics (formerly Invitae), Labcorp
Classification: Likely benign for Familial adenomatous polyposis 1. Last evaluated: 2017-10-24. Review status: criteria provided, single submitter. Criteria: Invitae Variant Classification Sherloc (09022015). Collection method: clinical testing. Allele origin: germline.

NM_000038.6(APC):c.7122C>T (p.Ser2374=)

Gene: APC (APC regulator of Wnt signaling pathway; plus strand). Cytogenetic location: 5q22.2.
Variant type: single nucleotide variant.
Coding change: c.7122C>T on transcript NM_000038.6 (MANE Select); coding-DNA position 7122, C replaced by T.
Protein change: p.Ser2374=; no amino-acid change (serine 2374 retained).
Molecular consequence: synonymous variant.
Genome position (GRCh38, 1-based): chr5:112,842,716, C>T. VCF-style: chr5-112842716-C-T. GRCh37 (hg19) VCF-style: chr5-112178413-C-T.
Other names: c.7122C>T, p.Ser2374= (NM_001127510.3, NM_001354895.2); c.7068C>T, p.Ser2356= (NM_001127511.3); c.7176C>T, p.Ser2392= (NM_001354896.2); c.7152C>T, p.Ser2384= (NM_001354897.2); c.7047C>T, p.Ser2349= (NM_001354898.2); c.7038C>T, p.Ser2346= (NM_001354899.2); c.6999C>T, p.Ser2333= (NM_001354900.2); c.6945C>T, p.Ser2315= (NM_001354901.2); and 5 more.
Identifiers: ClinVar variation 537614 (VCV000537614.12), dbSNP rs1554088024, ClinGen allele CA446210098.